The following is an entry in ClinVar:

NM_002439.5(MSH3):c.1447A>G (p.Ile483Val)

Gene: MSH3 (mutS homolog 3; plus strand). Cytogenetic location: 5q14.1.
Variant type: single nucleotide variant.
Coding change: c.1447A>G on transcript NM_002439.5 (MANE Select); coding-DNA position 1447, A replaced by G.
Protein change: p.Ile483Val; replaces isoleucine 483 with valine.
Molecular consequence: missense variant.
Genome position (GRCh38, 1-based): chr5:80,725,559, A>G. VCF-style: chr5-80725559-A-G. GRCh37 (hg19) VCF-style: chr5-80021378-A-G.
Other names: short protein forms I483V.
Identifiers: ClinVar variation 4842841 (VCV004842841.1).
Genomic context (GRCh38, chr5:80,725,559, plus strand): 5'-TTTGAATACAGCCATGCTTTCCAGGCAGTTACAGAGTTTTATGCAAAAGATACAGTTGAC[A>G]TCAAAGGTAAATATTTTCCCTGTATGTCCTCAAGTTGAACTGATTTGAAATTTGGATAAA-3'
Protein context (NP_002430.3, residues 473-493): TEFYAKDTVD[Ile483Val]KGSQIISGIV

ClinVar aggregate classification (germline): Uncertain significance (1 of 4 stars; one submission).

Conditions:
Hereditary cancer-predisposing syndrome. Also called: Neoplastic Syndromes, Hereditary; Tumor predisposition; Hereditary Cancer Syndrome; Hereditary neoplastic syndrome. Identifiers: Orphanet 140162, MedGen C0027672, MeSH D009386, MONDO:0015356.

gnomAD v4.1: 2 of 1,608,634 alleles (0.00012%); highest among the groups gnomAD compares: Non-Finnish European, 0.00017%; no homozygotes.

Submission:

Ambry Genetics
Classification: Uncertain significance for Hereditary cancer-predisposing syndrome. Last evaluated: 2025-12-27. Review status: criteria provided, single submitter. Criteria: Ambry Variant Classification Scheme 2023. Collection method: clinical testing. Allele origin: germline.
Comment: The p.I483V variant (also known as c.1447A>G), located in coding exon 9 of the MSH3 gene, results from an A to G substitution at nucleotide position 1447. The isoleucine at codon 483 is replaced by valine, an amino acid with highly similar properties. This amino acid position is conserved. In addition, this alteration is predicted to be tolerated by in silico analysis. Based on the available evidence, the clinical significance of this variant remains unclear.